The following is an entry in ClinVar:

ClinVar aggregate classification (germline): Uncertain significance (1 of 4 stars; one submission).

Submission:

Ambry Genetics
Classification: Uncertain significance. Last evaluated: 2025-09-26. Review status: criteria provided, single submitter. Criteria: Ambry Variant Classification Scheme 2023. Collection method: clinical testing. Allele origin: germline.
Comment: The p.T751R variant (also known as c.2252C>G), located in coding exon 22 of the KIF1B gene, results from a C to G substitution at nucleotide position 2252. The threonine at codon 751 is replaced by arginine, an amino acid with similar properties. This amino acid position is conserved. In addition, this alteration is predicted to be deleterious by in silico analysis. Based on the available evidence, the clinical significance of this variant remains unclear.

NM_001365951.3(KIF1B):c.2390C>G (p.Thr797Arg)

Gene: KIF1B (kinesin family member 1B; plus strand). Cytogenetic location: 1p36.22.
Variant type: single nucleotide variant.
Coding change: c.2390C>G on transcript NM_001365951.3 (MANE Select); coding-DNA position 2390, C replaced by G.
Protein change: p.Thr797Arg; replaces threonine 797 with arginine.
Molecular consequence: missense variant.
Genome position (GRCh38, 1-based): chr1:10,323,915, C>G. VCF-style: chr1-10323915-C-G. GRCh37 (hg19) VCF-style: chr1-10383973-C-G.
Other names: c.2390C>G, p.Thr797Arg (NM_001365952.1); c.2252C>G, p.Thr751Arg (NM_015074.3); short protein forms T751R, T797R.
Identifiers: ClinVar variation 4543628 (VCV004543628.1).
Genomic context (GRCh38, chr1:10,323,915, plus strand): 5'-TTTGTCAATGGTTTATTCTTTCTATTCAGGTGCAGTTTCAGTTTGTTCTGCTGACTGACA[C>G]ACTGTACTCCCCTTTGCCTCCTGAATTACTTCCCACTGAGATGGAAAAAACTCATGAGGA-3'
Protein context (NP_001352880.1, residues 787-807): VQFQFVLLTD[Thr797Arg]LYSPLPPELL